The following is an entry in ClinVar:

ClinVar aggregate classification (germline): Uncertain significance (1 of 4 stars; one submission).

Submission:

GeneDx
Classification: Uncertain significance. Last evaluated: 2018-05-22. Review status: criteria provided, single submitter. Criteria: GeneDx Variant Classification (06012015). Collection method: clinical testing. Allele origin: germline. Affected: yes.
Comment: A variant of uncertain significance has been identified in the HUWE1 gene. The H2516Y variant has not been published as a pathogenic variant, nor has it been reported as a benign variant to our knowledge. The H2516Y variant is not observed in large population cohorts (Lek et al., 2016). The H2516Y variant is a non-conservative amino acid substitution, which is likely to impact secondary protein structure as these residues differ in polarity, charge, size and/or other properties. However, in-silico analyses, including protein predictors and evolutionary conservation, support that this variant does not alter protein structure/function. Therefore, based on the currently available information, it is unclear whether this variant is a pathogenic variant or a rare benign variant.

NM_031407.7(HUWE1):c.7546C>T (p.His2516Tyr)

Gene: HUWE1 (HECT, UBA and WWE domain containing E3 ubiquitin protein ligase 1; minus strand). Cytogenetic location: Xp11.22.
Variant type: single nucleotide variant.
Coding change: c.7546C>T on transcript NM_031407.7 (MANE Select); coding-DNA position 7546, C replaced by T.
Protein change: p.His2516Tyr; replaces histidine 2516 with tyrosine.
Molecular consequence: missense variant.
Genome position (GRCh38, 1-based): chrX:53,560,378, G>A on the plus strand (C>T on the coding strand, the complement: HUWE1 is on the minus strand). VCF-style: chrX-53560378-G-A. GRCh37 (hg19) VCF-style: chrX-53587339-G-A.
Other names: short protein forms H2516Y.
Identifiers: ClinVar variation 546451 (VCV000546451.2), dbSNP rs1556939891, ClinGen allele CA413155866.